The following is an entry in ClinVar:

NM_016373.4(WWOX):c.746G>A (p.Arg249His)

Gene: WWOX (WW domain containing oxidoreductase; plus strand). Cytogenetic location: 16q23.1.
Variant type: single nucleotide variant.
Coding change: c.746G>A on transcript NM_016373.4 (MANE Select); coding-DNA position 746, G replaced by A.
Protein change: p.Arg249His; replaces arginine 249 with histidine.
Molecular consequence: missense variant.
Genome position (GRCh38, 1-based): chr16:78,425,010, G>A. VCF-style: chr16-78425010-G-A. GRCh37 (hg19) VCF-style: chr16-78458907-G-A.
Other names: c.407G>A, p.Arg136His (NM_001291997.2); short protein forms R249H, R136H.
Identifiers: ClinVar variation 662024 (VCV000662024.44), dbSNP rs756703833, ClinGen allele CA8183441.

ClinVar aggregate classification (germline): Uncertain significance. Review status: criteria provided, multiple submitters, no conflicts (2 of 4 stars). 3 submissions from 3 submitters: Uncertain significance (3). Last evaluated 2024-10-24.

Conditions:
Autosomal recessive spinocerebellar ataxia 12. Also called: SPINOCEREBELLAR ATAXIA WITH MENTAL RETARDATION AND EPILEPSY. Identifiers: Orphanet 284282, MedGen C3280452, MONDO:0013687, OMIM 614322.
Developmental and epileptic encephalopathy, 28 (DEE28). Also called: Epileptic encephalopathy, early infantile, 28. Identifiers: Orphanet 442835, MedGen C4015519, MONDO:0014533, OMIM 616211.
Malignant tumor of esophagus. Also called: Esophageal cancer; Esophageal cancer, somatic. Identifiers: Orphanet 99977, MedGen C0546837, MONDO:0007576, OMIM 133239.
Developmental and epileptic encephalopathy, 1 (DEE1). Also called: X-linked infantile spasms; West's syndrome; Tonic spasms with clustering, arrest of psychomotor development and hypsarrhythmia on EEG; X-Linked Infantile Spasm Syndrome; INFANTILE SPASM SYNDROME, X-LINKED 1; Epileptic encephalopathy, early infantile, 1. Identifiers: MedGen C3463992, MONDO:0010632, OMIM 308350. Disease mechanism: loss of function.

Allele frequency attached by ClinVar (database versions not stated): TOPMed 0.00002; gnomAD exomes 0.00003.
gnomAD v4.1: 31 of 1,614,026 alleles (0.0019%); highest among the groups gnomAD compares: East Asian, 0.0067%; no homozygotes.

Submissions (3):

Labcorp Genetics (formerly Invitae), Labcorp
Classification: Uncertain significance for Developmental and epileptic encephalopathy, 1; Autosomal recessive spinocerebellar ataxia 12. Last evaluated: 2024-10-24. Review status: criteria provided, single submitter. Criteria: Invitae Variant Classification Sherloc (09022015). Collection method: clinical testing. Allele origin: germline.
Comment: This sequence change replaces arginine, which is basic and polar, with histidine, which is basic and polar, at codon 249 of the WWOX protein (p.Arg249His). This variant is present in population databases (rs756703833, gnomAD 0.01%). This variant has not been reported in the literature in individuals affected with WWOX-related conditions. ClinVar contains an entry for this variant (Variation ID: 662024). Invitae Evidence Modeling of protein sequence and biophysical properties (such as structural, functional, and spatial information, amino acid conservation, physicochemical variation, residue mobility, and thermodynamic stability) indicates that this missense variant is not expected to disrupt WWOX protein function with a negative predictive value of 80%. In summary, the available evidence is currently insufficient to determine the role of this variant in disease. Therefore, it has been classified as a Variant of Uncertain Significance.

CeGaT Center for Human Genetics Tuebingen
Classification: Uncertain significance. Last evaluated: 2022-11-01. Review status: criteria provided, single submitter. Criteria: CeGaT Center For Human Genetics Tuebingen Variant Classification Criteria Version 2. Collection method: clinical testing. Allele origin: germline. Affected: yes. Observed: 1 variant allele.
Comment: WWOX: PM2, BP4

Fulgent Genetics
Classification: Uncertain significance for Malignant tumor of esophagus; Autosomal recessive spinocerebellar ataxia 12; Developmental and epileptic encephalopathy, 28. Last evaluated: 2021-11-18. Review status: criteria provided, single submitter. Criteria: ACMG Guidelines, 2015. Collection method: clinical testing. Allele origin: unknown.